The following is an entry in ClinVar:

ClinVar aggregate classification (germline): Uncertain significance (1 of 4 stars; one submission).

Allele frequency attached by ClinVar (database versions not stated): ExAC 0.00003; gnomAD 0.00008; TOPMed 0.00011; 1000 Genomes Project 30x 0.00031; 1000 Genomes Project 0.00040.
gnomAD v4.1: 21 of 1,614,148 alleles (0.0013%); highest among the groups gnomAD compares: African/African-American, 0.019%; no homozygotes.

Submission:

Labcorp Genetics (formerly Invitae), Labcorp
Classification: Uncertain significance. Last evaluated: 2022-08-29. Review status: criteria provided, single submitter. Criteria: Invitae Variant Classification Sherloc (09022015). Collection method: clinical testing. Allele origin: germline.
Comment: This sequence change replaces histidine, which is basic and polar, with arginine, which is basic and polar, at codon 4762 of the FAT4 protein (p.His4762Arg). This variant is present in population databases (rs552252173, gnomAD 0.02%). This variant has not been reported in the literature in individuals affected with FAT4-related conditions. Advanced modeling of protein sequence and biophysical properties (such as structural, functional, and spatial information, amino acid conservation, physicochemical variation, residue mobility, and thermodynamic stability) performed at Invitae indicates that this missense variant is not expected to disrupt FAT4 protein function. In summary, the available evidence is currently insufficient to determine the role of this variant in disease. Therefore, it has been classified as a Variant of Uncertain Significance.

NM_001291303.3(FAT4):c.14291A>G (p.His4764Arg)

Gene: FAT4 (FAT atypical cadherin 4; plus strand). Cytogenetic location: 4q28.1.
Variant type: single nucleotide variant.
Coding change: c.14291A>G on transcript NM_001291303.3 (MANE Select); coding-DNA position 14291, A replaced by G.
Protein change: p.His4764Arg; replaces histidine 4764 with arginine.
Molecular consequence: missense variant.
Genome position (GRCh38, 1-based): chr4:125,491,107, A>G. VCF-style: chr4-125491107-A-G. GRCh37 (hg19) VCF-style: chr4-126412262-A-G.
Other names: c.14288A>G, p.His4763Arg (NM_001291285.3); c.14285A>G, p.His4762Arg (NM_024582.6); short protein forms H4762R, H4763R, H4764R.
Identifiers: ClinVar variation 2056043 (VCV002056043.1), dbSNP rs552252173, ClinGen allele CA3074528.